The following is an entry in ClinVar:

NM_022051.3(EGLN1):c.377C>G (p.Pro126Arg)

Gene: EGLN1 (egl-9 family hypoxia inducible factor 1; minus strand). Cytogenetic location: 1q42.2.
Variant type: single nucleotide variant.
Coding change: c.377C>G on transcript NM_022051.3 (MANE Select); coding-DNA position 377, C replaced by G.
Protein change: p.Pro126Arg; replaces proline 126 with arginine.
Molecular consequence: missense variant.
Genome position (GRCh38, 1-based): chr1:231,421,512, G>C on the plus strand (C>G on the coding strand, the complement: EGLN1 is on the minus strand). VCF-style: chr1-231421512-G-C. GRCh37 (hg19) VCF-style: chr1-231557258-G-C.
Other names: c.377C>G, p.Pro126Arg (NM_001377260.1, NM_001377261.1); short protein forms P126R.
Identifiers: ClinVar variation 3619271 (VCV003619271.2).

ClinVar aggregate classification (germline): Uncertain significance (1 of 4 stars; one submission).

Conditions:
Erythrocytosis, familial, 3 (ECYT3). Identifiers: Orphanet 247511, MedGen C1853286, MONDO:0012353, OMIM 609820.

gnomAD v4.1: 4 of 1,314,210 alleles (0.0003%); highest among the groups gnomAD compares: South Asian, 0.0051%; no homozygotes.

Submission:

Labcorp Genetics (formerly Invitae), Labcorp
Classification: Uncertain significance for Erythrocytosis, familial, 3. Last evaluated: 2024-05-07. Review status: criteria provided, single submitter. Criteria: Invitae Variant Classification Sherloc (09022015). Collection method: clinical testing. Allele origin: germline.
Comment: This sequence change replaces proline, which is neutral and non-polar, with arginine, which is basic and polar, at codon 126 of the EGLN1 protein (p.Pro126Arg). This variant is not present in population databases (gnomAD no frequency). This variant has not been reported in the literature in individuals affected with EGLN1-related conditions. An algorithm developed to predict the effect of missense changes on protein structure and function (PolyPhen-2) suggests that this variant is likely to be disruptive. In summary, the available evidence is currently insufficient to determine the role of this variant in disease. Therefore, it has been classified as a Variant of Uncertain Significance.